The following is an entry in ClinVar:

NM_001127453.2(GSDME):c.1183+5G>A

Gene: GSDME (gasdermin E; minus strand). Cytogenetic location: 7p15.3.
Variant type: single nucleotide variant.
Coding change: c.1183+5G>A on transcript NM_001127453.2 (MANE Select); 5 bases into the intron after coding-DNA position 1183, G replaced by A.
Molecular consequence: intron variant.
Genome position (GRCh38, 1-based): chr7:24,706,179, C>T on the plus strand (G>A on the coding strand, the complement: GSDME is on the minus strand). VCF-style: chr7-24706179-C-T. GRCh37 (hg19) VCF-style: chr7-24745798-C-T.
Other names: c.691+5G>A (NM_001127454.2); c.1183+5G>A (NM_004403.3).
Identifiers: ClinVar variation 811160 (VCV000811160.17), dbSNP rs777359423, ClinGen allele CA4191390.

ClinVar aggregate classification (germline): Conflicting classifications of pathogenicity. Review status: criteria provided, conflicting classifications (1 of 4 stars). 3 submissions from 3 submitters: Likely pathogenic (2); Uncertain significance (1). Last evaluated 2024-07-24.

Conditions:
Autosomal dominant nonsyndromic hearing loss 5. Identifiers: Orphanet 90635, MedGen C1832932, MONDO:0010973, OMIM 600994.

Allele frequency attached by ClinVar (database versions not stated): gnomAD exomes below 0.00001; ExAC 0.00001.
gnomAD v4.1: 2 of 1,614,204 alleles (0.00012%); highest among the groups gnomAD compares: South Asian, 0.0011%; no homozygotes.

Submissions (3):

ARUP Laboratories, Molecular Genetics and Genomics, ARUP Laboratories
Classification: Likely pathogenic. Last evaluated: 2024-07-24. Review status: criteria provided, single submitter. Criteria: ARUP Molecular Germline Variant Investigation Process 2024. Collection method: clinical testing. Allele origin: germline.
Comment: The GSDME c.1183+5G>A variant (rs777359423; ClinVar Variation ID: 811160), has been reported in a single patient with a phenotype consistent with autosomal dominant deafness 5 (Bournazos 2022). This variant is found on a single chromosome in the Genome Aggregation Database v2.1.1, indicating it is not a common polymorphism. Located in intron 8, functional studies demonstrate that this variant results in skipping of exon 8, generating a stable peptide with a shortened, and altered, C- terminus (Bournazos 2022). Other documented pathogenic variants in GSDME may be intronic or exonic, but result in a similar altered peptide caused by exon 8 skipping (Cheng 2007, Booth 2018, Li 2022). It is predicted that this altered GSDME peptide lacks an auto-inhibition domain resulting in dysregulation of a apoptosis (Li 2022). Based on available information, the c.1183+5G>A variant is considered to be likely pathogenic. References: Bournazos AM et al. Standardized practices for RNA diagnostics using clinically accessible specimens reclassifies 75% of putative splicing variants. Genet Med. 2022 Jan;24(1):130-145. PMID: 34906502. Booth et al. Exonic mutations and exon skipping: Lessons learned from DFNA5. Hum Mutat. 2018 Mar;39(3):433-440. PMID: 29266521. Cheng J et al. A novel DFNA5 mutation, IVS8+4 A>G, in the splice donor site of intron 8 causes late-onset non-syndromic hearing loss in a Chinese family. Clin Genet. 2007 Nov;72(5):471-7. PMID: 17868390. Li Q et al. A novel splice site variant c.1183 + 1 G > C in DFNA5 causing autosomal dominant nonsyndromic hearing loss in a Chinese family. BMC Med Genomics. 2022 Jul 21;15(1):163. PMID: 35864542.

Labcorp Genetics (formerly Invitae), Labcorp
Classification: Uncertain significance. Last evaluated: 2022-04-18. Review status: criteria provided, single submitter. Criteria: Invitae Variant Classification Sherloc (09022015). Collection method: clinical testing. Allele origin: germline.
Comment: In summary, the available evidence is currently insufficient to determine the role of this variant in disease. Therefore, it has been classified as a Variant of Uncertain Significance. Variants that disrupt the consensus splice site are a relatively common cause of aberrant splicing (PMID: 17576681, 9536098). Algorithms developed to predict the effect of sequence changes on RNA splicing suggest that this variant may create or strengthen a splice site. ClinVar contains an entry for this variant (Variation ID: 811160). This variant has been observed in individual(s) with deafness (PMID: 34906502). This variant is present in population databases (rs777359423, gnomAD 0.003%). This sequence change falls in intron 8 of the DFNA5 gene. It does not directly change the encoded amino acid sequence of the DFNA5 protein. It affects a nucleotide within the consensus splice site.

Kids Neuroscience Centre, Sydney Children's Hospitals Network
Classification: Likely pathogenic for Autosomal dominant nonsyndromic hearing loss 5. Review status: criteria provided, single submitter. Criteria: Bournazos AM et al. (Genet Med 2021). Collection method: clinical testing. Allele origin: unknown. Inheritance: Autosomal dominant inheritance. Affected: yes. Observed: 1 heterozygote.
Comment: mRNA studies confirm the heterozygous GSDME: c.1183+5G>A variant induces abnormal splicing of GSDME transcripts in fibroblast mRNA. Abnormal splicing event: Exon-9 skipping (out-of-frame). Exon-9 skipping creates a frameshift, encoding 41 missense amino acids then a premature termination codon, abnormally removing 165 amino acids from the gasdermin-E C-terminus (from Cys331_Ser496). GSDME exon-9 is a canonical exon included in all RefSeq GSDME isoforms expressed in skin, brain and bipolar neurons. Therefore splicing outcomes observed in fibroblast mRNA hold relevance to the predominant GSDME isoform(s) in neuronal tissues. Pathogenic consequences of exon-9 skipping and C-terminal truncation of the encoded gasdermin-E protein are supported strongly by seven previous reports of pathogenic splice site variants that induce skipping of GSDME exon-9 (Chai et al., 2014; Wang et al., 2018).

Literature cited by the submitters: PubMed 17576681 (cited by Labcorp Genetics (formerly Invitae), Labcorp); PubMed 9536098 (cited by Labcorp Genetics (formerly Invitae), Labcorp); PubMed 34906502 (cited by Labcorp Genetics (formerly Invitae), Labcorp).